The following is an entry in ClinVar:

NM_001130438.3(SPTAN1):c.654G>T (p.Glu218Asp)

Gene: SPTAN1 (spectrin alpha, non-erythrocytic 1; plus strand). Cytogenetic location: 9q34.11.
Variant type: single nucleotide variant.
Coding change: c.654G>T on transcript NM_001130438.3 (MANE Select); coding-DNA position 654, G replaced by T.
Protein change: p.Glu218Asp; replaces glutamic acid 218 with aspartic acid.
Molecular consequence: missense variant.
Genome position (GRCh38, 1-based): chr9:128,576,825, G>T. VCF-style: chr9-128576825-G-T. GRCh37 (hg19) VCF-style: chr9-131339104-G-T.
Other names: c.654G>T, p.Glu218Asp (NM_001195532.2, NM_001363759.2, NM_001363765.2 and 5 more transcripts); c.690G>T, p.Glu230Asp (NM_001375312.2, NM_001375318.1); short protein forms E218D, E230D.
Identifiers: ClinVar variation 1946649 (VCV001946649.5), dbSNP rs1256576369, ClinGen allele CA375048004.

ClinVar aggregate classification (germline): Uncertain significance (1 of 4 stars; one submission).

Conditions:
Early-infantile DEE. Also called: Early infantile epileptic encephalopathy; Ohtahara syndrome; Early infantile epileptic encephalopathy with suppression bursts. Identifiers: Orphanet 1934, MedGen C0393706, MONDO:0800491.

Allele frequency attached by ClinVar (database versions not stated): gnomAD exomes below 0.00001.
gnomAD v4.1: 1 of 1,613,664 alleles (0.000062%); highest among the groups gnomAD compares: Admixed American, 0.0017%; no homozygotes.

Submission:

Labcorp Genetics (formerly Invitae), Labcorp
Classification: Uncertain significance for Early-infantile DEE. Last evaluated: 2022-08-22. Review status: criteria provided, single submitter. Criteria: Invitae Variant Classification Sherloc (09022015). Collection method: clinical testing. Allele origin: germline.
Comment: This sequence change replaces glutamic acid, which is acidic and polar, with aspartic acid, which is acidic and polar, at codon 218 of the SPTAN1 protein (p.Glu218Asp). This variant is present in population databases (no rsID available, gnomAD 0.003%). This variant has not been reported in the literature in individuals affected with SPTAN1-related conditions. Algorithms developed to predict the effect of missense changes on protein structure and function (SIFT, PolyPhen-2, Align-GVGD) all suggest that this variant is likely to be tolerated. In summary, the available evidence is currently insufficient to determine the role of this variant in disease. Therefore, it has been classified as a Variant of Uncertain Significance.